The following is an entry in ClinVar:

NM_001184.4(ATR):c.4922T>C (p.Leu1641Pro)

Gene: ATR (ATR checkpoint kinase; minus strand). Cytogenetic location: 3q23.
Variant type: single nucleotide variant.
Coding change: c.4922T>C on transcript NM_001184.4 (MANE Select); coding-DNA position 4922, T replaced by C.
Protein change: p.Leu1641Pro; replaces leucine 1641 with proline.
Molecular consequence: missense variant.
Genome position (GRCh38, 1-based): chr3:142,508,040, A>G on the plus strand (T>C on the coding strand, the complement: ATR is on the minus strand). VCF-style: chr3-142508040-A-G. GRCh37 (hg19) VCF-style: chr3-142226882-A-G.
Other names: c.4730T>C, p.Leu1577Pro (NM_001354579.2); short protein forms L1577P, L1641P.
Identifiers: ClinVar variation 1744139 (VCV001744139.2), dbSNP rs139876782, ClinGen allele CA2649716.

ClinVar aggregate classification (germline): Uncertain significance (1 of 4 stars; one submission).

Conditions:
Inborn genetic diseases. Identifiers: MedGen C0950123, MeSH D030342.

Allele frequency attached by ClinVar (database versions not stated): gnomAD exomes below 0.00001; ExAC 0.00001; TOPMed 0.00001; ESP Exome Variant Server 0.00008.

Submission:

Ambry Genetics
Classification: Uncertain significance for Inborn genetic diseases. Last evaluated: 2022-03-26. Review status: criteria provided, single submitter. Criteria: Ambry Variant Classification Scheme 2023. Collection method: clinical testing. Allele origin: germline.
Comment: The p.L1641P variant (also known as c.4922T>C), located in coding exon 28 of the ATR gene, results from a T to C substitution at nucleotide position 4922. The leucine at codon 1641 is replaced by proline, an amino acid with similar properties. This amino acid position is conserved. In addition, this alteration is predicted to be deleterious by in silico analysis. Since supporting evidence is limited at this time, the clinical significance of this alteration remains unclear.